The following is an entry in ClinVar:

ClinVar aggregate classification (germline): Pathogenic (1 of 4 stars; one submission).

Conditions:
Charcot-Marie-Tooth disease axonal type 2F (CMT2F). Also called: Charcot-Marie-Tooth Neuropathy Type 2F; CHARCOT-MARIE-TOOTH DISEASE, NEURONAL, TYPE 2F. Identifiers: Orphanet 99940, MedGen C1847823, MONDO:0011687, OMIM 606595.

Submission:

Labcorp Genetics (formerly Invitae), Labcorp
Classification: Pathogenic for Charcot-Marie-Tooth disease axonal type 2F. Last evaluated: 2022-06-01. Review status: criteria provided, single submitter. Criteria: Invitae Variant Classification Sherloc (09022015). Collection method: clinical testing. Allele origin: germline.
Comment: For these reasons, this variant has been classified as Pathogenic. This variant disrupts the region of the HSPB1 protein between codon 39 and 182. Other variants in this region have been observed in individuals with autosomal dominant HSPB1-related conditions (PMID: 22734906, 28144995, 29381233), which suggests that this may be a clinically significant region of the protein. This variant has not been reported in the literature in individuals affected with HSPB1-related conditions. This variant is not present in population databases (gnomAD no frequency). This sequence change creates a premature translational stop signal (p.Ser83Glnfs*78) in the HSPB1 gene. While this is not anticipated to result in nonsense mediated decay, it is expected to disrupt the last 123 amino acid(s) of the HSPB1 protein.

Literature cited by the submitters: PubMed 22734906; PubMed 28144995; PubMed 29381233.

NM_001540.5(HSPB1):c.245_246insT (p.Ser83fs)

Gene: HSPB1 (heat shock protein family B (small) member 1; plus strand). Cytogenetic location: 7q11.23.
Variant type: Insertion.
Coding change: c.245_246insT on transcript NM_001540.5 (MANE Select); coding-DNA positions 245 to 246, T inserted.
Protein change: p.Ser83fs; shifts the reading frame from serine 83.
Molecular consequence: frameshift variant.
Genome position: GRCh38 VCF-style: chr7-76302957-G-GT. GRCh37 (hg19) VCF-style: chr7-75932274-G-GT.
Other names: short protein forms S83fs.
Identifiers: ClinVar variation 1930599 (VCV001930599.5), dbSNP rs2536149513, ClinGen allele CA2580077387.